The following is an entry in ClinVar:

NM_000051.4(ATM):c.8485C>A (p.Pro2829Thr)

Genes: ATM (ATM serine/threonine kinase; plus strand), C11orf65 (chromosome 11 open reading frame 65; minus strand). Cytogenetic location: 11q22.3.
Variant type: single nucleotide variant.
Coding change: c.8485C>A on transcript NM_000051.4 (MANE Select); coding-DNA position 8485, C replaced by A.
Protein change: p.Pro2829Thr; replaces proline 2829 with threonine.
Molecular consequence: missense variant. On other transcripts: intron variant (2).
Genome position (GRCh38, 1-based): chr11:108,345,809, C>A. VCF-style: chr11-108345809-C-A. GRCh37 (hg19) VCF-style: chr11-108216536-C-A.
Other names: c.8485C>A, p.Pro2829Thr (NM_001351834.2); c.641-36738G>T (NM_001330368.2); c.695-10517G>T (NM_001351110.2); short protein forms P2829T.
Identifiers: ClinVar variation 3655760 (VCV003655760.2).

ClinVar aggregate classification (germline): Uncertain significance (1 of 4 stars; one submission).

Conditions:
Ataxia-telangiectasia syndrome (AT). Also called: Ataxia-telangiectasia, complementation group D; AT, COMPLEMENTATION GROUP C; ATAXIA-TELANGIECTASIA, COMPLEMENTATION GROUP A; ATAXIA-TELANGIECTASIA, FRESNO VARIANT; Ataxia-telangiectasia; Ataxia-telangiectasia, complementation group E. Identifiers: Orphanet 100, MedGen C0004135, MONDO:0008840, OMIM 208900.

Submission:

Labcorp Genetics (formerly Invitae), Labcorp
Classification: Uncertain significance for Ataxia-telangiectasia syndrome. Last evaluated: 2024-06-06. Review status: criteria provided, single submitter. Criteria: Invitae Variant Classification Sherloc (09022015). Collection method: clinical testing. Allele origin: germline.
Comment: This sequence change replaces proline, which is neutral and non-polar, with threonine, which is neutral and polar, at codon 2829 of the ATM protein (p.Pro2829Thr). This variant is not present in population databases (gnomAD no frequency). This variant has not been reported in the literature in individuals affected with ATM-related conditions. An algorithm developed to predict the effect of missense changes on protein structure and function (PolyPhen-2) suggests that this variant is likely to be disruptive. This variant disrupts the p.Pro2829 amino acid residue in ATM. Other variant(s) that disrupt this residue have been determined to be pathogenic (PMID: 9711876; Invitae). This suggests that this residue is clinically significant, and that variants that disrupt this residue are likely to be disease-causing. In summary, the available evidence is currently insufficient to determine the role of this variant in disease. Therefore, it has been classified as a Variant of Uncertain Significance.

Literature cited by the submitters: PubMed 9711876.